The following is an entry in ClinVar:

NM_024675.4(PALB2):c.-17_9delinsTTTTCTTC (p.Met1_Glu3del)

Gene: PALB2 (partner and localizer of BRCA2; minus strand). Cytogenetic location: 16p12.2.
Variant type: Indel.
Coding change: c.-17_9delinsTTTTCTTC on transcript NM_024675.4 (MANE Select); 17 bases upstream of the start codon through coding-DNA position 9, GTTCTGTCGCCTGCCCGATGGACGAG replaced by TTTTCTTC.
Protein change: p.Met1_Glu3del.
Molecular consequence: inframe deletion, initiator codon variant. On other transcripts: 5 prime UTR variant (10).
Genome position (GRCh38, 1-based): chr16:23,641,149-23,641,174, CTCGTCCATCGGGCAGGCGACAGAAC replaced by GAAGAAAA on the plus strand (GTTCTGTCGCCTGCCCGATGGACGAG replaced by TTTTCTTC on the coding strand, the reverse complement: PALB2 is on the minus strand). GRCh37 (hg19): chr16:23,652,470-23,652,495.
Other names: c.-1760_-1735delinsTTTTCTTC (NM_001407310.1, NM_001407304.1); c.-1036_-1011delinsTTTTCTTC (NM_001407311.1, NM_001407305.1, NM_001407307.1 and 1 more transcripts); c.-169_-144delinsTTTTCTTC (NM_001407312.1, NM_001407313.1); c.-17_9delinsTTTTCTTC, p.Met1_Glu3del (NM_001407314.1, NM_001407296.1, NM_001407297.1 and 5 more transcripts); c.-885_-860delinsTTTTCTTC (NM_001407306.1, NM_001407308.1).
Identifiers: ClinVar variation 3885199 (VCV003885199.1).

ClinVar aggregate classification (germline): Likely pathogenic (1 of 4 stars; one submission).

Conditions:
Hereditary cancer-predisposing syndrome. Also called: Tumor predisposition; Neoplastic Syndromes, Hereditary; Hereditary Cancer Syndrome; Hereditary neoplastic syndrome. Identifiers: Orphanet 140162, MedGen C0027672, MeSH D009386, MONDO:0015356.

Submission:

Ambry Genetics
Classification: Likely pathogenic for Hereditary cancer-predisposing syndrome. Last evaluated: 2025-01-13. Review status: criteria provided, single submitter. Criteria: Ambry Variant Classification Scheme 2023. Collection method: clinical testing. Allele origin: germline.
Comment: The p.M1? variant (also known as c.-17_9del26insTTTTCTTC) is located in coding exon 1 of the PALB2 gene and results from a deletion of 26 nucleotides and insertion of 8 nucleotides at positions -17 to 9. This alters the methionine residue at the initiation codon (ATG). This variant is considered to be rare based on population cohorts in the Genome Aggregation Database (gnomAD). This nucleotide position is well conserved in available vertebrate species. Sequence variations that modify the initiation codon are expected to result in either loss of translation initiation, N-terminal truncation, or cause a shift in the mRNA reading frame. Based on the majority of available evidence to date, this variant is likely to be pathogenic.